The following is an entry in ClinVar:

ClinVar aggregate classification (germline): Likely pathogenic (1 of 4 stars; one submission).

Conditions:
West syndrome. Also called: Infantile epileptic spasms syndrome. Identifiers: Orphanet 3451, Orphanet 697160, MedGen C0037769, MONDO:0018097. Disease mechanism: loss of function.

Submission:

Unidad de Genómica Garrahan, Hospital de Pediatría Garrahan
Classification: Likely pathogenic for West syndrome. Last evaluated: 2023-01-01. Review status: criteria provided, single submitter. Criteria: ACMG Guidelines, 2015. Collection method: clinical testing. Allele origin: germline. Affected: yes. Observed: 1 variant allele.
Comment: ACMG/AMP criteria applied: PVS1, PM2. Observed in compound heterozygosity with WWOX:c.107+1G>A (pathogenic, SCV004232653).

NM_016373.4(WWOX):c.571C>T (p.Gln191Ter)

Gene: WWOX (WW domain containing oxidoreductase; plus strand). Cytogenetic location: 16q23.1.
Variant type: single nucleotide variant.
Coding change: c.571C>T on transcript NM_016373.4 (MANE Select); coding-DNA position 571, C replaced by T.
Protein change: p.Gln191Ter; replaces glutamine 191 with a stop codon.
Molecular consequence: nonsense.
Genome position (GRCh38, 1-based): chr16:78,386,914, C>T. VCF-style: chr16-78386914-C-T. GRCh37 (hg19) VCF-style: chr16-78420811-C-T.
Other names: NP_057457.1:p.(Gln191Ter); c.232C>T, p.Gln78Ter (NM_001291997.2); short protein forms Q191*, Q78*.
Identifiers: ClinVar variation 4852515 (VCV004852515.1).